The following is an entry in ClinVar:

ClinVar aggregate classification (germline): Likely pathogenic. Review status: criteria provided, multiple submitters, no conflicts (2 of 4 stars). 2 submissions from 2 submitters: Likely pathogenic (2). Last evaluated 2024-03-01.

Conditions:
Corticosterone 18-monooxygenase deficiency. Also called: STEROID 18-HYDROXYLASE DEFICIENCY; ALDOSTERONE DEFICIENCY DUE TO DEFECT IN STEROID 18-HYDROXYLASE; ALDOSTERONE DEFICIENCY I; CMO I DEFICIENCY; 18 Hydroxylase deficiency; Aldosterone deficiency due to defect in 18 hydroxylase. Identifiers: Orphanet 427, MedGen C0268293, MONDO:0008751, OMIM 203400. Disease mechanism: loss of function.
Corticosterone methyloxidase type 2 deficiency. Also called: STEROID 18-OXIDASE DEFICIENCY; 18-OXIDASE DEFICIENCY; ALDOSTERONE DEFICIENCY DUE TO DEFICIENCY OF STEROID 18-OXIDASE; ALDOSTERONE DEFICIENCY II; CMO II DEFICIENCY. Identifiers: Orphanet 427, MedGen C3463917, MONDO:0012524, OMIM 610600. Disease mechanism: loss of function.

Allele frequency attached by ClinVar (database versions not stated): gnomAD exomes below 0.00001; gnomAD 0.00001; TOPMed 0.00002.

Submissions (2):

Labcorp Genetics (formerly Invitae), Labcorp
Classification: Likely pathogenic. Last evaluated: 2024-03-01. Review status: criteria provided, single submitter. Criteria: Invitae Variant Classification Sherloc (09022015). Collection method: clinical testing. Allele origin: germline.
Comment: This sequence change affects a donor splice site in intron 4 of the CYP11B2 gene. It is expected to disrupt RNA splicing. Variants that disrupt the donor or acceptor splice site typically lead to a loss of protein function (PMID: 16199547), and loss-of-function variants in CYP11B2 are known to be pathogenic (PMID: 20494601, 22801770, 26936515). This variant is present in population databases (no rsID available, gnomAD 0.008%). This variant has not been reported in the literature in individuals affected with CYP11B2-related conditions. ClinVar contains an entry for this variant (Variation ID: 965197). Algorithms developed to predict the effect of sequence changes on RNA splicing suggest that this variant may disrupt the consensus splice site. In summary, the currently available evidence indicates that the variant is pathogenic, but additional data are needed to prove that conclusively. Therefore, this variant has been classified as Likely Pathogenic.

Fulgent Genetics
Classification: Likely pathogenic for Corticosterone 18-monooxygenase deficiency; Corticosterone methyloxidase type 2 deficiency. Last evaluated: 2024-02-29. Review status: criteria provided, single submitter. Criteria: ACMG Guidelines, 2015. Collection method: clinical testing. Allele origin: germline.

Literature cited by the submitters: PubMed 16199547 (cited by Labcorp Genetics (formerly Invitae), Labcorp); PubMed 20494601 (cited by Labcorp Genetics (formerly Invitae), Labcorp); PubMed 22801770 (cited by Labcorp Genetics (formerly Invitae), Labcorp); PubMed 26936515 (cited by Labcorp Genetics (formerly Invitae), Labcorp).

NM_000498.3(CYP11B2):c.799+2T>C

Genes: CYP11B2 (cytochrome P450 family 11 subfamily B member 2; minus strand), LOC106799834 (CYP11B2 recombination region; plus strand). Cytogenetic location: 8q24.3.
Variant type: single nucleotide variant.
Coding change: c.799+2T>C on transcript NM_000498.3 (MANE Select); the canonical splice donor site of the intron after coding-DNA position 799, T replaced by C.
Molecular consequence: splice donor variant.
Genome position (GRCh38, 1-based): chr8:142,914,703, A>G on the plus strand (T>C on the coding strand, the complement: CYP11B2 is on the minus strand). VCF-style: chr8-142914703-A-G. GRCh37 (hg19) VCF-style: chr8-143996119-A-G.
Identifiers: ClinVar variation 965197 (VCV000965197.9), dbSNP rs1258317232, ClinGen allele CA372389070.
Genomic context (GRCh38, chr8:142,914,703, plus strand): 5'-AGGAGAAATTGGGCCCCCATGGTGTCCCTTCCCCATAGCACTGCCCGGGTCCCTGGCCTC[A>G]CCGTACTGGAAGATGCAGTCCCAGGCCTCAAAGTGCTCCTTCCACACCTTGGGGCTGATC-3'